The following is an entry in ClinVar:

ClinVar aggregate classification (germline): Pathogenic (1 of 4 stars; one submission).

Submission:

Quest Diagnostics Nichols Institute San Juan Capistrano
Classification: Pathogenic. Last evaluated: 2022-07-28. Review status: criteria provided, single submitter. Criteria: ACMG/ClinGen CNV Guidelines, 2019. Collection method: clinical testing. Allele origin: unknown.
Comment: This large terminal gain involves numerous protein-coding genes. Pure distal trisomy 2q is a rare condition. There are common craniofacial phenotypes among reported cases with similar terminal gains (Elbracht 2009; Fritz 1999, Meza-Espinoza 2020). Thus based on current medical literature and gene content, this copy number variant (CNV) is interpreted as pathogenic. References: Elbracht et al., Am J Med Genet A. 2009 Nov;149A(11):2547-50. PMID: 19876899 Fritz et al., Am J Med Genet. 1999 Dec 3;87(4):297-301. PMID: 10588833 Meza-Espinoza JP et al., Mol Cytogenet. 2020 May 19;13:17. doi: 10.1186/s13039-020-00484-4. PMID: 32467733

GRCh37/hg19 2q35-37.3(chr2:218376403-242783384)x3

Genes: KIF1A (kinesin family member 1A; minus strand), KLHL30 (kelch like family member 30; plus strand), LRRFIP1 (LRR binding FLII interacting protein 1; plus strand), MAB21L4 (mab-21 like 4; minus strand), MFF (mitochondrial fission factor; plus strand) and 205 more. Cytogenetic location: 2q35-37.3.
Variant type: copy number gain.
Change: copy number 3 (three copies instead of two) of chr2:218,376,403-242,783,384 (24.41 Mb, GRCh37 coordinates, 1-based), cytogenetic band 2q35-37.3.
Identifiers: ClinVar variation 2685875 (VCV002685875.1).